The following is an entry in ClinVar:

ClinVar aggregate classification (germline): Uncertain significance (1 of 4 stars; one submission).

gnomAD v4.1: 3 of 1,614,034 alleles (0.00019%); highest among the groups gnomAD compares: South Asian, 0.0022%; no homozygotes.

Submission:

Labcorp Genetics (formerly Invitae), Labcorp
Classification: Uncertain significance. Last evaluated: 2025-11-21. Review status: criteria provided, single submitter. Criteria: Invitae Variant Classification Sherloc (09022015). Collection method: clinical testing. Allele origin: germline.
Comment: This sequence change replaces glycine, which is neutral and non-polar, with valine, which is neutral and non-polar, at codon 3112 of the ANK3 protein (p.Gly3112Val). This variant is present in population databases (no rsID available, gnomAD 0.003%). This variant has not been reported in the literature in individuals affected with ANK3-related conditions. An algorithm developed to predict the effect of missense changes on protein structure and function (PolyPhen-2) suggests that this variant is likely to be disruptive. In summary, the available evidence is currently insufficient to determine the role of this variant in disease. Therefore, it has been classified as a Variant of Uncertain Significance.

NM_020987.5(ANK3):c.9335G>T (p.Gly3112Val)

Gene: ANK3 (ankyrin 3; minus strand). Cytogenetic location: 10q21.2.
Variant type: single nucleotide variant.
Coding change: c.9335G>T on transcript NM_020987.5 (MANE Select); coding-DNA position 9335, G replaced by T.
Protein change: p.Gly3112Val; replaces glycine 3112 with valine.
Molecular consequence: missense variant. On other transcripts: intron variant (4).
Genome position (GRCh38, 1-based): chr10:60,071,546, C>A on the plus strand (G>T on the coding strand, the complement: ANK3 is on the minus strand). VCF-style: chr10-60071546-C-A. GRCh37 (hg19) VCF-style: chr10-61831304-C-A.
Other names: c.4388-3537G>T (NM_001204403.2); c.4409-3537G>T (NM_001204404.2); c.4406-3537G>T (NM_001320874.2); c.1808-3537G>T (NM_001149.4); short protein forms G3112V.
Identifiers: ClinVar variation 4804653 (VCV004804653.1).